The following is an entry in ClinVar:

NM_001367624.2(ZNF469):c.5972A>G (p.Lys1991Arg)

Gene: ZNF469 (zinc finger protein 469; plus strand). Cytogenetic location: 16q24.2.
Variant type: single nucleotide variant.
Coding change: c.5972A>G on transcript NM_001367624.2 (MANE Select); coding-DNA position 5972, A replaced by G.
Protein change: p.Lys1991Arg; replaces lysine 1991 with arginine.
Molecular consequence: missense variant.
Genome position (GRCh38, 1-based): chr16:88,433,442, A>G. VCF-style: chr16-88433442-A-G. GRCh37 (hg19) VCF-style: chr16-88499850-A-G.
Other names: short protein forms K1991R.
Identifiers: ClinVar variation 2091309 (VCV002091309.4), dbSNP rs2507592091, ClinGen allele CA397103447.

ClinVar aggregate classification (germline): Uncertain significance (1 of 4 stars; one submission).

Submission:

Labcorp Genetics (formerly Invitae), Labcorp
Classification: Uncertain significance. Last evaluated: 2025-09-15. Review status: criteria provided, single submitter. Criteria: Invitae Variant Classification Sherloc (09022015). Collection method: clinical testing. Allele origin: germline.
Comment: This sequence change replaces lysine, which is basic and polar, with arginine, which is basic and polar, at codon 1963 of the ZNF469 protein (p.Lys1963Arg). This variant is not present in population databases (gnomAD no frequency). This variant has not been reported in the literature in individuals affected with ZNF469-related conditions. ClinVar contains an entry for this variant (Variation ID: 2091309). An algorithm developed to predict the effect of missense changes on protein structure and function (PolyPhen-2) suggests that this variant is likely to be tolerated. In summary, the available evidence is currently insufficient to determine the role of this variant in disease. Therefore, it has been classified as a Variant of Uncertain Significance.